The following is an entry in ClinVar:

ClinVar aggregate classification (germline): Likely benign. Review status: reviewed by expert panel (3 of 4 stars). 14 submissions from 14 submitters: Likely benign (1). 13 of the submissions do not count toward it. Last evaluated 2017-06-29.

Conditions:
Hereditary breast ovarian cancer syndrome. Also called: Hereditary breast and ovarian cancer syndrome; Hereditary breast and ovarian cancer syndrome (HBOC); BRCA1- and BRCA2-Associated Hereditary Breast and Ovarian Cancer; Breast and ovarian cancer; Hereditary breast and ovarian cancer; Hereditary breast and/or ovarian cancer syndrome. Identifiers: Orphanet 145, MedGen C0677776, MeSH D061325, MONDO:0003582. Disease mechanism: loss of function.
Hereditary cancer-predisposing syndrome. Also called: Hereditary Cancer Syndrome; Hereditary neoplastic syndrome; Tumor predisposition; Neoplastic Syndromes, Hereditary. Identifiers: Orphanet 140162, MedGen C0027672, MeSH D009386, MONDO:0015356.
Familial pancreatic carcinoma. Identifiers: Orphanet 1333, MedGen C2931038, MONDO:0015278, OMIM 260350.
Breast-ovarian cancer, familial, susceptibility to, 1 (BROVCA1). Also called: OVARIAN CANCER, SUSCEPTIBILITY TO; BRCA1 Hereditary Breast and Ovarian Cancer. Identifiers: Orphanet 145, MedGen C2676676, MONDO:0011450, OMIM 604370. Disease mechanism: loss of function.
BRCA1-related disorder. Also called: BRCA1-related condition.

Allele frequency attached by ClinVar (database versions not stated): ExAC 0.00002; gnomAD exomes 0.00002; gnomAD 0.00011 and 0.00012; ESP Exome Variant Server 0.00015; TOPMed 0.00015; 1000 Genomes Project 30x 0.00047; 1000 Genomes Project 0.00060.
gnomAD v4.1: 42 of 1,614,104 alleles (0.0026%); highest among the groups gnomAD compares: African/African-American, 0.055%; no homozygotes.

Submissions (15):

Evidence-based Network for the Interpretation of Germline Mutant Alleles (ENIGMA)
Classification: Likely benign for Breast-ovarian cancer, familial, susceptibility to, 1. Last evaluated: 2017-06-29. Review status: reviewed by expert panel. Criteria: ENIGMA BRCA1/2 Classification Criteria (2017-06-29). Collection method: curation. Allele origin: germline.
Comment: Synonymous substitution variant, with low bioinformatic likelihood to result in a splicing aberration (Splicing prior probability 0.02).

Labcorp Genetics (formerly Invitae), Labcorp
Classification: Likely benign for Hereditary breast ovarian cancer syndrome. Last evaluated: 2026-01-25. Review status: criteria provided, single submitter. Criteria: Invitae Variant Classification Sherloc (09022015). Collection method: clinical testing. Allele origin: germline. Not counted in ClinVar's aggregate classification.

Quest Diagnostics Nichols Institute San Juan Capistrano
Classification: Benign. Last evaluated: 2025-05-08. Review status: criteria provided, single submitter. Criteria: Quest Diagnostics criteria. Collection method: clinical testing. Allele origin: unknown. Not counted in ClinVar's aggregate classification.

ARUP Laboratories, Molecular Genetics and Genomics, ARUP Laboratories
Classification: Likely benign. Last evaluated: 2024-05-01. Review status: criteria provided, single submitter. Criteria: ARUP Molecular Germline Variant Investigation Process 2024. Collection method: clinical testing. Allele origin: germline. Not counted in ClinVar's aggregate classification.

Blueprint Genetics
Classification: Likely benign. Last evaluated: 2024-03-07. Review status: criteria provided, single submitter. Criteria: ACMG Guidelines, 2015. Collection method: clinical testing. Allele origin: germline. Not counted in ClinVar's aggregate classification.

Department of Pathology and Laboratory Medicine, Sinai Health System
Classification: Likely benign for Familial pancreatic carcinoma. Last evaluated: 2024-02-28. Review status: criteria provided, single submitter. Criteria: ACMG Guidelines, 2015. Collection method: clinical testing. Allele origin: germline. Affected: yes. Not counted in ClinVar's aggregate classification.

All of Us Research Program, National Institutes of Health
Classification: Likely benign for Breast-ovarian cancer, familial, susceptibility to, 1. Last evaluated: 2023-12-13. Review status: criteria provided, single submitter. Criteria: ACMG Guidelines, 2015. Collection method: clinical testing. Allele origin: germline. Inheritance: Autosomal dominant inheritance. Observed: 7 variant alleles, 7 heterozygotes. Not counted in ClinVar's aggregate classification.
Comment: This study involves interpretation of variants in research participants for the purpose of population health screening. Participant phenotype was not available at the time of variant classification. Additional details can be found in publication PMID: 35346344, PMCID: PMC8962531

Sema4
Classification: Likely benign for Hereditary cancer-predisposing syndrome. Last evaluated: 2021-04-27. Review status: criteria provided, single submitter. Criteria: Sema4 Curation Guidelines. Collection method: curation. Allele origin: germline. Not counted in ClinVar's aggregate classification.

Women's Health and Genetics/Laboratory Corporation of America, LabCorp
Classification: Benign. Last evaluated: 2019-03-08. Review status: criteria provided, single submitter. Criteria: LabCorp Variant Classification Summary - May 2015. Collection method: clinical testing. Allele origin: germline. Not counted in ClinVar's aggregate classification.
Comment: Variant summary: BRCA1 c.5304C>T alters a non-conserved nucleotide resulting in a synonymous change. 5/5 computational tools predict no significant impact on normal splicing. However, these predictions have yet to be confirmed by functional studies. The variant allele was found at a frequency of 3.6e-05 in 277382 control chromosomes, predominantly at a frequency of 0.00042 within the African subpopulation in the gnomAD database. This frequency is not significantly higher than expected for a pathogenic variant in BRCA1 causing Hereditary Breast and Ovarian Cancer (3.6e-05 vs 0.001). This variant has been reported in the literature in one individual affected with Breast and Ovarian Cancer (Suter_2004). This variant has also been reported in 3/9884 women who are older than age 70 and cancer free, suggesting this variant does not associate with cancer. One publication reports experimental evidence evaluating an impact on protein function and showed this variant had normal function (Findlay_2018). Four clinical diagnostic laboratories have submitted clinical-significance assessments for this variant to ClinVar after 2014 without evidence for independent evaluation. All laboratories classified the variant as likely benign. Based on the evidence outlined above, the variant was classified as benign.

Color Diagnostics, LLC DBA Color Health
Classification: Likely benign for Hereditary cancer-predisposing syndrome. Last evaluated: 2016-06-30. Review status: criteria provided, single submitter. Criteria: ACMG Guidelines, 2015. Collection method: clinical testing. Allele origin: germline. Not counted in ClinVar's aggregate classification.

Ambry Genetics
Classification: Likely benign for Hereditary cancer-predisposing syndrome. Last evaluated: 2014-10-29. Review status: criteria provided, single submitter. Criteria: Ambry Variant Classification Scheme 2023. Collection method: clinical testing. Allele origin: germline. Not counted in ClinVar's aggregate classification.

GeneDx
Classification: Benign. Last evaluated: 2014-04-16. Review status: criteria provided, single submitter. Criteria: GeneDx Variant Classification (06012015). Collection method: clinical testing. Allele origin: germline. Affected: yes. Not counted in ClinVar's aggregate classification.
Comment: This variant is considered likely benign or benign based on one or more of the following criteria: it is a conservative change, it occurs at a poorly conserved position in the protein, it is predicted to be benign by multiple in silico algorithms, and/or has population frequency not consistent with disease.

PreventionGenetics, part of Exact Sciences
Classification: Likely benign for BRCA1-related condition. Last evaluated: 2019-09-06. Review status: no assertion criteria provided. Collection method: clinical testing. Allele origin: germline. Not counted in ClinVar's aggregate classification.
Comment: This variant is classified as likely benign based on ACMG/AMP sequence variant interpretation guidelines (Richards et al. 2015 PMID: 25741868, with internal and published modifications).

Counsyl
Classification: Likely benign for Breast-ovarian cancer, familial, susceptibility to, 1. Last evaluated: 2018-03-14. Review status: no assertion criteria provided. Collection method: clinical testing. Allele origin: unknown. Not counted in ClinVar's aggregate classification.

Brotman Baty Institute, University of Washington
No classification provided (evidence only). Condition: Breast-ovarian cancer, familial 1. Review status: no classification provided. Collection method: in vitro. Allele origin: not applicable. Functional consequence: functionally_normal. Not counted in ClinVar's aggregate classification.
ClinVar note: "not provided" was previously submitted as the classification for the variant. However, the classification appeared to be based only on an observation of functional data so it was converted to no classification on 2025-07-30.

Literature cited by the submitters: PubMed 14973102 (cited by 3 submitters); PubMed 30209399 (cited by Quest Diagnostics Nichols Institute San Juan Capistrano and Department of Pathology and Laboratory Medicine, Sinai Health System); PubMed 34287479 (cited by Quest Diagnostics Nichols Institute San Juan Capistrano).

NM_007294.4(BRCA1):c.5304C>T (p.Cys1768=)

Gene: BRCA1 (BRCA1 DNA repair associated; minus strand). Cytogenetic location: 17q21.31.
Variant type: single nucleotide variant.
Coding change: c.5304C>T on transcript NM_007294.4 (MANE Select); coding-DNA position 5304, C replaced by T.
Protein change: p.Cys1768=; no amino-acid change (cysteine 1768 retained).
Molecular consequence: synonymous variant. On other transcripts: intron variant (2).
Genome position (GRCh38, 1-based): chr17:43,051,091, G>A on the plus strand (C>T on the coding strand, the complement: BRCA1 is on the minus strand). VCF-style: chr17-43051091-G-A. GRCh37 (hg19) VCF-style: chr17-41203108-G-A.
Other names: p.C1768C:TGC>TGT; c.1914C>T, p.Cys638= (NM_001408416.1, NM_001408412.1, NM_001408413.1 and 2 more transcripts); c.1878C>T, p.Cys626= (NM_001408418.1, NM_001408419.1, NM_001408420.1); c.1875C>T, p.Cys625= (NM_001408421.1, NM_001408422.1, NM_001408423.1 and 1 more transcripts); c.1872C>T, p.Cys624= (NM_001408425.1, NM_001408426.1, NM_001408427.1 and 4 more transcripts); c.1869C>T, p.Cys623= (NM_001408432.1, NM_001408433.1, NM_001408434.1 and 10 more transcripts); c.1866C>T, p.Cys622= (NM_001408445.1, NM_001408446.1, NM_001408447.1 and 2 more transcripts); c.1860C>T, p.Cys620= (NM_001408451.1); and 75 more.
Identifiers: ClinVar variation 182097 (VCV000182097.39), dbSNP rs138493864, ClinGen allele CA003456.